The following is an entry in ClinVar:

NM_000052.7(ATP7A):c.3846G>A (p.Lys1282=)

Gene: ATP7A (ATPase copper transporting alpha; plus strand). Cytogenetic location: Xq21.1.
Variant type: single nucleotide variant.
Coding change: c.3846G>A on transcript NM_000052.7 (MANE Select); coding-DNA position 3846, G replaced by A.
Protein change: p.Lys1282=; no amino-acid change (lysine 1282 retained).
Molecular consequence: synonymous variant. On other transcripts: non-coding transcript variant (1).
Genome position (GRCh38, 1-based): chrX:78,042,629, G>A. VCF-style: chrX-78042629-G-A. GRCh37 (hg19) VCF-style: chrX-77298127-G-A.
Other names: c.3612G>A, p.Lys1204= (NM_001282224.2); c.3846G>A (NM_000052.4).
Identifiers: ClinVar variation 2188281 (VCV002188281.4), dbSNP rs2522418927, ClinGen allele CA517078872.

ClinVar aggregate classification (germline): Conflicting classifications of pathogenicity. Review status: criteria provided, conflicting classifications (1 of 4 stars). 2 submissions from 2 submitters: Uncertain significance (1); Likely benign (1). Last evaluated 2024-12-02.

Conditions:
Cutis laxa, X-linked (OHS). Also called: Occipital horn syndrome; EDS IX. Identifiers: Orphanet 198, MedGen C0268353, MONDO:0010572, OMIM 304150.
Menkes kinky-hair syndrome (MNK). Also called: Copper transport disease; Menkes Disease; Classic Menkes Disease. Identifiers: Orphanet 565, MedGen C0022716, MONDO:0010651, OMIM 309400.
X-linked distal spinal muscular atrophy type 3. Also called: ATP7A-Related Distal Motor Neuropathy; SPINAL MUSCULAR ATROPHY, DISTAL, X-LINKED RECESSIVE; NEURONOPATHY, DISTAL HEREDITARY MOTOR, X-LINKED; NEUROPATHY, DISTAL HEREDITARY MOTOR, X-LINKED. Identifiers: Orphanet 139557, MedGen C1845359, MONDO:0010338, OMIM 300489.

Allele frequency attached by ClinVar (database versions not stated): gnomAD exomes below 0.00001.
gnomAD v4.1: 1 of 1,211,725 alleles (0.000083%); highest among the groups gnomAD compares: Non-Finnish European, 0.00011%; no homozygotes.

Submissions (2):

Labcorp Genetics (formerly Invitae), Labcorp
Classification: Likely benign for X-linked distal spinal muscular atrophy type 3; Cutis laxa, X-linked; Menkes kinky-hair syndrome. Last evaluated: 2024-12-02. Review status: criteria provided, single submitter. Criteria: Invitae Variant Classification Sherloc (09022015). Collection method: clinical testing. Allele origin: germline.

GeneDx
Classification: Uncertain significance. Last evaluated: 2024-04-19. Review status: criteria provided, single submitter. Criteria: GeneDx Variant Classification Process June 2021. Collection method: clinical testing. Allele origin: germline. Affected: yes.
Comment: Has not been previously published as pathogenic or benign to our knowledge; Not observed at significant frequency in large population cohorts (gnomAD); In silico analysis is inconclusive as to whether the variant alters gene splicing. In the absence of RNA/functional studies, the actual effect of this sequence change is unknown.